The following is an entry in ClinVar:

ClinVar aggregate classification (germline): Likely benign. Review status: criteria provided, multiple submitters, no conflicts (2 of 4 stars). 4 submissions from 4 submitters: Likely benign (4). Last evaluated 2025-12-20.

Conditions:
Hereditary breast ovarian cancer syndrome. Also called: Hereditary breast and ovarian cancer syndrome; Breast and ovarian cancer; Hereditary breast and ovarian cancer syndrome (HBOC); Hereditary breast and/or ovarian cancer syndrome; BRCA1- and BRCA2-Associated Hereditary Breast and Ovarian Cancer; Hereditary breast and ovarian cancer. Identifiers: Orphanet 145, MedGen C0677776, MeSH D061325, MONDO:0003582. Disease mechanism: loss of function.
Hereditary cancer-predisposing syndrome. Also called: Neoplastic Syndromes, Hereditary; Hereditary neoplastic syndrome; Hereditary Cancer Syndrome; Tumor predisposition. Identifiers: Orphanet 140162, MedGen C0027672, MeSH D009386, MONDO:0015356.

Allele frequency attached by ClinVar (database versions not stated): gnomAD exomes below 0.00001; TOPMed below 0.00001.

Submissions (5):

Labcorp Genetics (formerly Invitae), Labcorp
Classification: Likely benign for Hereditary breast ovarian cancer syndrome. Last evaluated: 2025-12-20. Review status: criteria provided, single submitter. Criteria: Invitae Variant Classification Sherloc (09022015). Collection method: clinical testing. Allele origin: germline.

Women's Health and Genetics/Laboratory Corporation of America, LabCorp
Classification: Likely benign. Last evaluated: 2024-11-14. Review status: criteria provided, single submitter. Criteria: LabCorp Variant Classification Summary - May 2015. Collection method: clinical testing. Allele origin: germline.
Comment: Variant summary: BRCA1 c.5467+12G>A alters a non-conserved nucleotide located at a position not widely known to affect splicing. Consensus agreement among computation tools predict no significant impact on normal splicing. However, these predictions have yet to be confirmed by functional studies. The variant was absent in 251484 control chromosomes (gnomAD). The available data on variant occurrences in the general population are insufficient to allow any conclusion about variant significance. To our knowledge, no occurrence of c.5467+12G>A in individuals affected with hereditary breast and ovarian cancer syndrome has been reported. At least one publication reports experimental evidence evaluating an impact on protein function. These results showed no damaging effect of this variant (example: Findlay_2018). The following publication have been ascertained in the context of this evaluation (PMID: 30209399). ClinVar contains an entry for this variant (Variation ID: 381399). Based on the evidence outlined above, the variant was classified as likely benign.

Color Diagnostics, LLC DBA Color Health
Classification: Likely benign for Hereditary cancer-predisposing syndrome. Last evaluated: 2017-09-24. Review status: criteria provided, single submitter. Criteria: ACMG Guidelines, 2015. Collection method: clinical testing. Allele origin: germline.

GeneDx
Classification: Likely benign. Last evaluated: 2015-11-02. Review status: criteria provided, single submitter. Criteria: GeneDx Variant Classification (06012015). Collection method: clinical testing. Allele origin: germline. Affected: yes.
Comment: This variant is considered likely benign or benign based on one or more of the following criteria: it is a conservative change, it occurs at a poorly conserved position in the protein, it is predicted to be benign by multiple in silico algorithms, and/or has population frequency not consistent with disease.

Brotman Baty Institute, University of Washington
No classification provided (evidence only). Condition: Breast-ovarian cancer, familial 1. Review status: no classification provided. Collection method: in vitro. Allele origin: not applicable. Functional consequence: functionally_normal. Not counted in ClinVar's aggregate classification.
ClinVar note: "not provided" was previously submitted as the classification for the variant. However, the classification appeared to be based only on an observation of functional data so it was converted to no classification on 2025-07-30.

Literature cited by the submitters: PubMed 30209399 (cited by Women's Health and Genetics/Laboratory Corporation of America, LabCorp).

NM_007294.4(BRCA1):c.5467+12G>A

Gene: BRCA1 (BRCA1 DNA repair associated; minus strand). Cytogenetic location: 17q21.31.
Variant type: single nucleotide variant.
Coding change: c.5467+12G>A on transcript NM_007294.4 (MANE Select); 12 bases into the intron after coding-DNA position 5467, G replaced by A.
Molecular consequence: intron variant.
Genome position (GRCh38, 1-based): chr17:43,047,631, C>T on the plus strand (G>A on the coding strand, the complement: BRCA1 is on the minus strand). VCF-style: chr17-43047631-C-T. GRCh37 (hg19) VCF-style: chr17-41199648-C-T.
Other names: c.5254+12G>A (NM_001407910.1, NM_001407898.1, NM_001407894.1 and 12 more transcripts); c.2014+12G>A (NM_001408458.1, NM_001408461.1, NM_001408464.1 and 7 more transcripts); c.4576+12G>A (NM_001407967.1); c.5086+12G>A (NM_001407959.1); c.5200+12G>A (NM_001407931.1, NM_001407932.1, NM_001407928.1 and 4 more transcripts); c.5323+12G>A (NM_001407747.1, NM_001407745.1, NM_001407737.1 and 18 more transcripts); c.5083+12G>A (NM_001407962.1, NM_001407960.1); c.1654+12G>A (NM_001408512.1); and 83 more.
Identifiers: ClinVar variation 381399 (VCV000381399.16), dbSNP rs991060806, ClinGen allele CA16607246.
Genomic context (GRCh38, chr17:43,047,631, plus strand): 5'-CCAGGTAATGAGTGATAAACCAAACCCATGCAAAAGGACCCCATATAGCACAGGTACATG[C>T]AGGCACCTTACCATGGAAGCCATTGTCCTCTGTCCAGGCATCTGGCTGCACAACCACAAT-3'